The following is an entry in ClinVar:

ClinVar aggregate classification (germline): Uncertain significance. Review status: criteria provided, multiple submitters, no conflicts (2 of 4 stars). 2 submissions from 2 submitters: Uncertain significance (2). Last evaluated 2024-06-12.

Conditions:
Spastic paraplegia. Identifiers: MedGen C0037772, HP:0001258.
Charlevoix-Saguenay spastic ataxia (SACS). Also called: AUTOSOMAL RECESSIVE SPASTIC ATAXIA OF CHARLEVOIX-SAGUENAY; SPASTIC ATAXIA 6, AUTOSOMAL RECESSIVE; Spastic ataxia of Charlevoix-Saguenay. Identifiers: Orphanet 98, MedGen C1849140, MONDO:0010041, OMIM 270550.

Allele frequency attached by ClinVar (database versions not stated): gnomAD exomes below 0.00001.
gnomAD v4.1: 2 of 1,599,414 alleles (0.00013%); highest among the groups gnomAD compares: African/African-American, 0.0027%; no homozygotes.

Submissions (2):

Department of Genetics, Sultan Qaboos University Hospital
Classification: Uncertain significance for Charlevoix-Saguenay spastic ataxia. Last evaluated: 2024-06-12. Review status: criteria provided, single submitter. Criteria: ACMG Guidelines, 2015. Collection method: clinical testing. Allele origin: unknown. Affected: yes.

Labcorp Genetics (formerly Invitae), Labcorp
Classification: Uncertain significance for Spastic paraplegia. Last evaluated: 2022-07-30. Review status: criteria provided, single submitter. Criteria: Invitae Variant Classification Sherloc (09022015). Collection method: clinical testing. Allele origin: germline.
Comment: This sequence change replaces asparagine, which is neutral and polar, with aspartic acid, which is acidic and polar, at codon 1019 of the SACS protein (p.Asn1019Asp). This variant is not present in population databases (gnomAD no frequency). This variant has not been reported in the literature in individuals affected with SACS-related conditions. ClinVar contains an entry for this variant (Variation ID: 623396). Advanced modeling of protein sequence and biophysical properties (such as structural, functional, and spatial information, amino acid conservation, physicochemical variation, residue mobility, and thermodynamic stability) performed at Invitae indicates that this missense variant is not expected to disrupt SACS protein function. In summary, the available evidence is currently insufficient to determine the role of this variant in disease. Therefore, it has been classified as a Variant of Uncertain Significance.

NM_014363.6(SACS):c.3055A>G (p.Asn1019Asp)

Gene: SACS (sacsin molecular chaperone; minus strand). Cytogenetic location: 13q12.12.
Variant type: single nucleotide variant.
Coding change: c.3055A>G on transcript NM_014363.6 (MANE Select); coding-DNA position 3055, A replaced by G.
Protein change: p.Asn1019Asp; replaces asparagine 1019 with aspartic acid.
Molecular consequence: missense variant.
Genome position (GRCh38, 1-based): chr13:23,340,821, T>C on the plus strand (A>G on the coding strand, the complement: SACS is on the minus strand). VCF-style: chr13-23340821-T-C. GRCh37 (hg19) VCF-style: chr13-23914960-T-C.
Other names: c.2614A>G, p.Asn872Asp (NM_001278055.2); short protein forms N1019D, N872D.
Identifiers: ClinVar variation 623396 (VCV000623396.4), dbSNP rs1566071225, ClinGen allele CA387536890.